The following is an entry in ClinVar:

NM_000930.5(PLAT):c.1481G>C (p.Gly494Ala)

Gene: PLAT (plasminogen activator, tissue type; minus strand). Cytogenetic location: 8p11.21.
Variant type: single nucleotide variant.
Coding change: c.1481G>C on transcript NM_000930.5 (MANE Select); coding-DNA position 1481, G replaced by C.
Protein change: p.Gly494Ala; replaces glycine 494 with alanine.
Molecular consequence: missense variant.
Genome position (GRCh38, 1-based): chr8:42,178,946, C>G on the plus strand (G>C on the coding strand, the complement: PLAT is on the minus strand). VCF-style: chr8-42178946-C-G. GRCh37 (hg19) VCF-style: chr8-42036464-C-G.
Other names: c.1214G>C, p.Gly405Ala (NM_001319189.2); c.1343G>C, p.Gly448Ala (NM_033011.4); c.1481G>C (NM_000930.4); short protein forms G494A, G448A, G405A.
Identifiers: ClinVar variation 810282 (VCV000810282.14), dbSNP rs61755432, ClinGen allele CA4730979.
Genomic context (GRCh38, chr8:42,178,946, plus strand): 5'-CTCCTGGTTACCTGGCAGGCGTCGTGCAAGTTTGCCTGGGGCCCGCCGCTCCGAGTGTCT[C>G]CAGCACACAGCATGTTGTCGGTGACTGTTCTGTTAAGTAAATGTTGTGATGTGCAGCGGC-3'
Protein context (NP_000921.1, residues 484-504): RTVTDNMLCA[Gly494Ala]DTRSGGPQAN

ClinVar aggregate classification (germline): Conflicting classifications of pathogenicity. Review status: criteria provided, conflicting classifications (1 of 4 stars). 3 submissions from 3 submitters: Uncertain significance (1); Likely benign (1). 1 of the submissions does not count toward it. Last evaluated 2025-11-10.

Conditions:
PLAT-related disorder. Also called: PLAT-related condition.
Abnormal bleeding. Also called: Bleeding diathesis. Identifiers: MedGen C1458140, HP:0001892.
Thrombocytopenia. Identifiers: MedGen C0040034, MeSH D013921, MONDO:0002049, HP:0001873.

Allele frequency attached by ClinVar (database versions not stated): ESP Exome Variant Server 0.00046; 1000 Genomes Project 0.00060; 1000 Genomes Project 30x 0.00078; ExAC 0.00081; gnomAD exomes 0.00095; TOPMed 0.00105; gnomAD 0.00106 and 0.00107.
gnomAD v4.1: 2,168 of 1,614,062 alleles (0.13%); highest among the groups gnomAD compares: Non-Finnish European, 0.16%; 5 homozygotes.

Submissions (3):

PreventionGenetics, part of Exact Sciences
Classification: Likely benign for PLAT-related condition. Last evaluated: 2025-11-10. Review status: criteria provided, single submitter. Criteria: ACMG Guidelines, 2015. Collection method: clinical testing. Allele origin: germline.
Comment: This variant is classified as likely benign based on ACMG/AMP sequence variant interpretation guidelines (Richards et al. 2015 PMID: 25741868, with internal and published modifications).

Breakthrough Genomics
Classification: Uncertain significance. Review status: criteria provided, single submitter. Criteria: ACMG Guidelines, 2015. Collection method: not provided. Allele origin: germline. Inheritance: Autosomal recessive inheritance. Affected: yes.

Birmingham Platelet Group; University of Birmingham
Classification: Uncertain significance for Thrombocytopenia; Abnormal bleeding. Last evaluated: 2020-05-01. Review status: no assertion criteria provided. Collection method: research. Allele origin: germline. Affected: yes. Not counted in ClinVar's aggregate classification.